The following is an entry in ClinVar:

NM_000145.4(FSHR):c.956A>G (p.Glu319Gly)

Gene: FSHR (follicle stimulating hormone receptor; minus strand). Cytogenetic location: 2p16.3.
Variant type: single nucleotide variant.
Coding change: c.956A>G on transcript NM_000145.4 (MANE Select); coding-DNA position 956, A replaced by G.
Protein change: p.Glu319Gly; replaces glutamic acid 319 with glycine.
Molecular consequence: missense variant.
Genome position (GRCh38, 1-based): chr2:48,963,865, T>C on the plus strand (A>G on the coding strand, the complement: FSHR is on the minus strand). VCF-style: chr2-48963865-T-C. GRCh37 (hg19) VCF-style: chr2-49191004-T-C.
Other names: c.878A>G, p.Glu293Gly (NM_181446.3); short protein forms E319G, E293G.
Identifiers: ClinVar variation 898833 (VCV000898833.8), dbSNP rs147685926, ClinGen allele CA1653740.

ClinVar aggregate classification (germline): Uncertain significance. Review status: criteria provided, multiple submitters, no conflicts (2 of 4 stars). 4 submissions from 3 submitters: Uncertain significance (3). 1 of the submissions does not count toward it. Last evaluated 2025-05-18.

Conditions:
Ovarian hyperstimulation syndrome (OHSS). Also called: OVARIAN HYPERSTIMULATION SYNDROME, FAMILIAL GESTATIONAL SPONTANEOUS. Identifiers: Orphanet 64739, MedGen C0085083, MONDO:0011972, OMIM 608115.
Inborn genetic diseases. Identifiers: MedGen C0950123, MeSH D030342.
Ovarian dysgenesis 1 (ODG1). Also called: GONADAL DYSGENESIS, XX TYPE; OVARIAN DYSGENESIS, HYPERGONADOTROPIC, AUTOSOMAL RECESSIVE; OVARIAN DYSGENESIS, HYPERGONADOTROPIC, WITH NORMAL KARYOTYPE; OVARIAN FAILURE, HYPERGONADOTROPIC; Gonadal dysgenesis XX type deafness. Identifiers: Orphanet 243, MedGen C0949595, MONDO:0024463, OMIM 233300.

Allele frequency attached by ClinVar (database versions not stated): ExAC 0.00008; gnomAD 0.00010 and 0.00013; gnomAD exomes 0.00010; TOPMed 0.00012; ESP Exome Variant Server 0.00015.
gnomAD v4.1: 216 of 1,614,064 alleles (0.013%); highest among the groups gnomAD compares: Non-Finnish European, 0.017%; 1 homozygote.

Submissions (4):

Ambry Genetics
Classification: Uncertain significance for Inborn genetic diseases. Last evaluated: 2025-05-18. Review status: criteria provided, single submitter. Criteria: Ambry Variant Classification Scheme 2023. Collection method: clinical testing. Allele origin: germline.

Illumina Laboratory Services, Illumina
Classification: Uncertain significance for Ovarian dysgenesis 1. Last evaluated: 2018-01-12. Review status: criteria provided, single submitter. Criteria: ICSL Variant Classification Criteria 13 December 2019. Collection method: clinical testing. Allele origin: germline.

Illumina Laboratory Services, Illumina
Classification: Uncertain significance for Ovarian hyperstimulation syndrome. Last evaluated: 2018-01-12. Review status: criteria provided, single submitter. Criteria: ICSL Variant Classification Criteria 13 December 2019. Collection method: clinical testing. Allele origin: germline.

Department of Pathology and Laboratory Medicine, Sinai Health System
Classification: Uncertain significance. Review status: no assertion criteria provided. Collection method: clinical testing. Allele origin: unknown. Affected: yes. Study: The Canadian Open Genetics Repository (COGR). Not counted in ClinVar's aggregate classification.
Comment: The FSHR p.Glu319Gly variant was not identified in the literature nor was it identified in ClinVar. The variant was identified in dbSNP (ID: rs147685926) and in control databases in 28 of 282416 chromosomes at a frequency of 0.00009914 (Genome Aggregation Database March 6, 2019, v2.1.1). The variant was observed in the following populations: European (non-Finnish) in 27 of 128754 chromosomes (freq: 0.00021) and Latino in 1 of 35436 chromosomes (freq: 0.000028), but was not observed in the African, Ashkenazi Jewish, East Asian, European (Finnish), Other, or South Asian populations. The p.Glu319 residue is not conserved in mammals and four out of five computational analyses (PolyPhen-2, SIFT, AlignGVGD, BLOSUM, MutationTaster) do not suggest a high likelihood of impact to the protein; however, this information is not predictive enough to rule out pathogenicity. The variant occurs outside of the splicing consensus sequence and in silico or computational prediction software programs (SpliceSiteFinder, MaxEntScan, NNSPLICE, GeneSplicer) do not predict a difference in splicing. In summary, based on the above information the clinical significance of this variant cannot be determined with certainty at this time. This variant is classified as a variant of uncertain significance.